The following is an entry in ClinVar:

NM_000038.6(APC):c.3454_3468del (p.Gln1152_Glu1156del)

Gene: APC (APC regulator of Wnt signaling pathway; plus strand). Cytogenetic location: 5q22.2.
Variant type: Deletion.
Coding change: c.3454_3468del on transcript NM_000038.6 (MANE Select); coding-DNA positions 3454 to 3468, 15 bases deleted (CAGCATGAAGAAGAA).
Protein change: p.Gln1152_Glu1156del.
Molecular consequence: inframe deletion. On other transcripts: non-coding transcript variant (2).
Genome position (GRCh38, 1-based): chr5:112,839,048-112,839,062, CAGCATGAAGAAGAA deleted; deleting any 15 consecutive bases within chr5:112,839,038-112,839,062 gives the same sequence; the c. name uses the placement nearest the transcript's 3' end. VCF-style (leftmost placement, unchanged base first): chr5-112839037-CTGAAGAAGAACAGCA-C. GRCh37 (hg19) VCF-style: chr5-112174734-CTGAAGAAGAACAGCA-C.
Other names: c.3454_3468del, p.Gln1152_Glu1156del (NM_001127510.3, NM_001354895.2, NM_001407450.1); c.3400_3414del, p.Gln1134_Glu1138del (NM_001127511.3); c.3508_3522del, p.Gln1170_Glu1174del (NM_001354896.2, NM_001407447.1, NM_001407448.1 and 1 more transcripts); c.3484_3498del, p.Gln1162_Glu1166del (NM_001354897.2); c.3379_3393del, p.Gln1127_Glu1131del (NM_001354898.2); c.3370_3384del, p.Gln1124_Glu1128del (NM_001354899.2); c.3331_3345del, p.Gln1111_Glu1115del (NM_001354900.2); c.3277_3291del, p.Gln1093_Glu1097del (NM_001354901.2, NM_001407453.1); and 11 more.
Identifiers: ClinVar variation 3881290 (VCV003881290.2).

ClinVar aggregate classification (germline): Uncertain significance. Review status: criteria provided, multiple submitters, no conflicts (2 of 4 stars). 2 submissions from 2 submitters: Uncertain significance (2). Last evaluated 2025-08-03.

Conditions:
Hereditary cancer-predisposing syndrome. Also called: Tumor predisposition; Neoplastic Syndromes, Hereditary; Hereditary Cancer Syndrome; Hereditary neoplastic syndrome. Identifiers: Orphanet 140162, MedGen C0027672, MeSH D009386, MONDO:0015356.
Familial adenomatous polyposis 1 (FAP1). Also called: POLYPOSIS, ADENOMATOUS INTESTINAL; FAMILIAL ADENOMATOUS POLYPOSIS 1, ATTENUATED. Identifiers: MedGen C2713442, MONDO:0021056, OMIM 175100. Disease mechanism: loss of function.

Submissions (2):

Labcorp Genetics (formerly Invitae), Labcorp
Classification: Uncertain significance for Familial adenomatous polyposis 1. Last evaluated: 2025-08-03. Review status: criteria provided, single submitter. Criteria: Invitae Variant Classification Sherloc (09022015). Collection method: clinical testing. Allele origin: germline.
Comment: This variant, c.3454_3468del, results in the deletion of 5 amino acid(s) of the APC protein (p.Gln1152_Glu1156del), but otherwise preserves the integrity of the reading frame. This variant is not present in population databases (gnomAD no frequency). This variant has not been reported in the literature in individuals affected with APC-related conditions. ClinVar contains an entry for this variant (Variation ID: 3881290). Experimental studies and prediction algorithms are not available or were not evaluated, and the functional significance of this variant is currently unknown. In summary, the available evidence is currently insufficient to determine the role of this variant in disease. Therefore, it has been classified as a Variant of Uncertain Significance.

Ambry Genetics
Classification: Uncertain significance for Hereditary cancer-predisposing syndrome. Last evaluated: 2025-01-16. Review status: criteria provided, single submitter. Criteria: Ambry Variant Classification Scheme 2023. Collection method: clinical testing. Allele origin: germline.
Comment: The c.3454_3468del15 variant (also known as p.Q1152_E1156del) is located in coding exon 15 of the APC gene. This variant results from an in-frame CAGCATGAAGAAGAA deletion at nucleotide positions 3454 to 3468. This results in the in-frame deletion of 5 amino acids at codons 1152 to 1156. This amino acid region is well conserved in available vertebrate species. In addition, this alteration is predicted to be neutral by in silico analysis (Choi Y et al. PLoS ONE. 2012; 7(10):e46688). Based on the available evidence, the clinical significance of this variant remains unclear.